The following is an entry in ClinVar:

NM_000465.4(BARD1):c.322dup (p.Cys108fs)

Gene: BARD1 (BRCA1 associated RING domain 1; minus strand). Cytogenetic location: 2q35.
Variant type: Duplication.
Coding change: c.322dup on transcript NM_000465.4 (MANE Select); coding-DNA position 322, one base duplicated (T; older notation c.322dupT).
Protein change: p.Cys108fs; shifts the reading frame from cysteine 108.
Molecular consequence: frameshift variant. On other transcripts: intron variant (2), non-coding transcript variant (1).
Genome position (GRCh38, 1-based): chr2:214,792,339, A duplicated on the plus strand (T on the coding strand, the reverse complement: BARD1 is on the minus strand); the first of 3 consecutive A bases (chr2:214,792,339-214,792,341); duplicating any one gives the same sequence. VCF-style (leftmost placement, unchanged base first): chr2-214792338-C-CA. GRCh37 (hg19) VCF-style: chr2-215657062-C-CA.
Other names: c.158+17073dup (NM_001282548.2); c.215+4722dup (NM_001282545.2); c.322dup, p.Cys108fs (NM_001282549.2); c.265dup, p.Cys89fs (NM_001282543.2); short protein forms C108fs, C89fs.
Identifiers: ClinVar variation 3662333 (VCV003662333.2).
Genomic context (GRCh38, chr2:214,792,338, plus strand): 5'-AGATAGGGATAGTTCTTACCTGACAGCTCATTGTCATGTAGCAAATTTCGAAGCTTACTA[C>CA]AAAGTTGAATCATGCTGTCCAGTTGTCTATTTATCTTCAAGTCTTGTATCCAGGCCGGGG-3'

ClinVar aggregate classification (germline): Pathogenic (1 of 4 stars; one submission).

Conditions:
Familial cancer of breast. Also called: Hereditary breast cancer; hereditary breast carcinoma; BREAST CANCER, FAMILIAL. Identifiers: Orphanet 227535, MedGen C0346153, MONDO:0016419, OMIM 114480. Disease mechanism: loss of function.

Submission:

Labcorp Genetics (formerly Invitae), Labcorp
Classification: Pathogenic for Familial cancer of breast. Last evaluated: 2024-08-31. Review status: criteria provided, single submitter. Criteria: Invitae Variant Classification Sherloc (09022015). Collection method: clinical testing. Allele origin: germline.
Comment: This sequence change creates a premature translational stop signal (p.Cys108Leufs*2) in the BARD1 gene. It is expected to result in an absent or disrupted protein product. Loss-of-function variants in BARD1 are known to be pathogenic (PMID: 20077502, 21344236). This variant is not present in population databases (gnomAD no frequency). This variant has not been reported in the literature in individuals affected with BARD1-related conditions. For these reasons, this variant has been classified as Pathogenic.

Literature cited by the submitters: PubMed 20077502; PubMed 21344236.